The following is an entry in ClinVar:

ClinVar aggregate classification (germline): Likely benign. Review status: criteria provided, multiple submitters, no conflicts (2 of 4 stars). 6 submissions from 5 submitters: Likely benign (5). 1 of the submissions does not count toward it. Last evaluated 2025-11-11.

Conditions:
SETX-related disorder. Also called: SETX-related condition; SETX-related disorders. Identifiers: MedGen CN239403.
Amyotrophic lateral sclerosis type 4 (ALS4). Also called: AMYOTROPHIC LATERAL SCLEROSIS 4, JUVENILE; NEURONOPATHY, DISTAL HEREDITARY MOTOR, WITH PYRAMIDAL FEATURES. Identifiers: Orphanet 357043, MedGen C1865409, MONDO:0011223, OMIM 602433.
Spinocerebellar ataxia, autosomal recessive, with axonal neuropathy 2 (SCAN2). Also called: Ataxia-ocular apraxia-2; ATAXIA-OCULOMOTOR APRAXIA 2; Ataxia with Oculomotor Apraxia; Ataxia with Oculomotor Apraxia Type 2. Identifiers: Orphanet 64753, MedGen C1853761, MONDO:0018996, OMIM 606002.

Allele frequency attached by ClinVar (database versions not stated): ExAC 0.00005; TOPMed 0.00006.
gnomAD v4.1: 134 of 1,613,982 alleles (0.0083%); highest among the groups gnomAD compares: Admixed American, 0.062%; no homozygotes.

Submissions (6):

Labcorp Genetics (formerly Invitae), Labcorp
Classification: Likely benign for Amyotrophic lateral sclerosis type 4; Spinocerebellar ataxia, autosomal recessive, with axonal neuropathy 2. Last evaluated: 2025-11-11. Review status: criteria provided, single submitter. Criteria: Invitae Variant Classification Sherloc (09022015). Collection method: clinical testing. Allele origin: germline.

Blueprint Genetics
Classification: Likely benign. Last evaluated: 2024-07-24. Review status: criteria provided, single submitter. Criteria: ACMG Guidelines, 2015. Collection method: clinical testing. Allele origin: germline.

Genome-Nilou Lab
Classification: Likely benign for Spinocerebellar ataxia, autosomal recessive, with axonal neuropathy 2. Last evaluated: 2023-02-08. Review status: criteria provided, single submitter. Criteria: ACMG Guidelines, 2015. Collection method: clinical testing. Allele origin: germline.

Genome-Nilou Lab
Classification: Likely benign for Amyotrophic lateral sclerosis type 4. Last evaluated: 2023-02-08. Review status: criteria provided, single submitter. Criteria: ACMG Guidelines, 2015. Collection method: clinical testing. Allele origin: germline.

Athena Diagnostics
Classification: Likely benign. Last evaluated: 2019-07-25. Review status: criteria provided, single submitter. Criteria: Athena Diagnostics Criteria. Collection method: clinical testing. Allele origin: germline.

PreventionGenetics, part of Exact Sciences
Classification: Likely benign for SETX-related condition. Last evaluated: 2019-12-24. Review status: no assertion criteria provided. Collection method: clinical testing. Allele origin: germline. Not counted in ClinVar's aggregate classification.
Comment: This variant is classified as likely benign based on ACMG/AMP sequence variant interpretation guidelines (Richards et al. 2015 PMID: 25741868, with internal and published modifications).

NM_015046.7(SETX):c.7875G>A (p.Pro2625=)

Gene: SETX (senataxin; minus strand). Cytogenetic location: 9q34.13.
Variant type: single nucleotide variant.
Coding change: c.7875G>A on transcript NM_015046.7 (MANE Select); coding-DNA position 7875, G replaced by A.
Protein change: p.Pro2625=; no amino-acid change (proline 2625 retained).
Molecular consequence: synonymous variant.
Genome position (GRCh38, 1-based): chr9:132,264,398, C>T on the plus strand (G>A on the coding strand, the complement: SETX is on the minus strand). VCF-style: chr9-132264398-C-T. GRCh37 (hg19) VCF-style: chr9-135139785-C-T.
Other names: c.7875G>A, p.Pro2625= (NM_001351527.2); c.7962G>A, p.Pro2654= (NM_001351528.2).
Identifiers: ClinVar variation 706378 (VCV000706378.15), dbSNP rs536241867, ClinGen allele CA5296298.